The following is an entry in ClinVar:

ClinVar aggregate classification (germline): Uncertain significance (1 of 4 stars; one submission).

Conditions:
Dyskeratosis congenita. Identifiers: Orphanet 1775, MedGen C0265965, MONDO:0015780.

Submission:

Ambry Genetics
Classification: Uncertain significance for Dyskeratosis congenita. Last evaluated: 2025-06-12. Review status: criteria provided, single submitter. Criteria: Ambry Variant Classification Scheme 2023. Collection method: clinical testing. Allele origin: germline.
Comment: The p.I836T variant (also known as c.2507T>C), located in coding exon 9 of the TERT gene, results from a T to C substitution at nucleotide position 2507. The isoleucine at codon 836 is replaced by threonine, an amino acid with similar properties. This amino acid position is conserved. In addition, the in silico prediction for this alteration is inconclusive. Based on the available evidence, the clinical significance of this variant remains unclear.

NM_198253.3(TERT):c.2507T>C (p.Ile836Thr)

Gene: TERT (telomerase reverse transcriptase; minus strand). Cytogenetic location: 5p15.33.
Variant type: single nucleotide variant.
Coding change: c.2507T>C on transcript NM_198253.3 (MANE Select); coding-DNA position 2507, T replaced by C.
Protein change: p.Ile836Thr; replaces isoleucine 836 with threonine.
Molecular consequence: missense variant. On other transcripts: non-coding transcript variant (2).
Genome position (GRCh38, 1-based): chr5:1,268,595, A>G on the plus strand (T>C on the coding strand, the complement: TERT is on the minus strand). VCF-style: chr5-1268595-A-G. GRCh37 (hg19) VCF-style: chr5-1268710-A-G.
Other names: c.2507T>C, p.Ile836Thr (NM_001193376.3); short protein forms I836T.
Identifiers: ClinVar variation 3967397 (VCV003967397.1).